The following is an entry in ClinVar:

NM_000051.4(ATM):c.903T>C (p.Gly301=)

Gene: ATM (ATM serine/threonine kinase; plus strand). Cytogenetic location: 11q22.3.
Variant type: single nucleotide variant.
Coding change: c.903T>C on transcript NM_000051.4 (MANE Select); coding-DNA position 903, T replaced by C.
Protein change: p.Gly301=; no amino-acid change (glycine 301 retained).
Molecular consequence: synonymous variant.
Genome position (GRCh38, 1-based): chr11:108,246,965, T>C. VCF-style: chr11-108246965-T-C. GRCh37 (hg19) VCF-style: chr11-108117692-T-C.
Other names: c.903T>C, p.Gly301= (NM_001351834.2).
Identifiers: ClinVar variation 1339740 (VCV001339740.4), dbSNP rs876659335, ClinGen allele CA476671494.

ClinVar aggregate classification (germline): Conflicting classifications of pathogenicity. Review status: criteria provided, conflicting classifications (1 of 4 stars). 3 submissions from 3 submitters: Uncertain significance (1); Benign (1); Likely benign (1). Last evaluated 2024-04-24.

Conditions:
Hereditary cancer-predisposing syndrome. Also called: Neoplastic Syndromes, Hereditary; Tumor predisposition; Hereditary Cancer Syndrome; Hereditary neoplastic syndrome. Identifiers: Orphanet 140162, MedGen C0027672, MeSH D009386, MONDO:0015356.
Familial cancer of breast. Also called: Hereditary breast cancer; hereditary breast carcinoma; BREAST CANCER, FAMILIAL. Identifiers: Orphanet 227535, MedGen C0346153, MONDO:0016419, OMIM 114480. Disease mechanism: loss of function.

Submissions (3):

Myriad Genetics, Inc.
Classification: Benign for Familial cancer of breast. Last evaluated: 2024-04-24. Review status: criteria provided, single submitter. Criteria: Myriad Autosomal Dominant, Autosomal Recessive and X-Linked Classification Criteria (2023). Collection method: clinical testing. Allele origin: unknown.
Comment: This variant is considered benign. This variant is a silent/synonymous amino acid change and it is not expected to impact splicing.

Women's Health and Genetics/Laboratory Corporation of America, LabCorp
Classification: Uncertain significance. Last evaluated: 2022-01-24. Review status: criteria provided, single submitter. Criteria: LabCorp Variant Classification Summary - May 2015. Collection method: clinical testing. Allele origin: germline.
Comment: Variant summary: ATM c.903T>C (p.Gly301Gly) alters a conserved nucleotide located close to a canonical splice site and therefore could affect mRNA splicing, leading to a significantly altered protein sequence. 4/4 computational tools predict no significant impact on normal splicing. However, these predictions have yet to be confirmed by functional studies. The variant was absent in 281798 control chromosomes (gnomAD). A similar variant c.903T>G [p.Gly301Gly] with similar predicted splicing effects was found in 1/7325 healthy European American women over the age of 70 with no personal history of cancer (FLOSSIES database). The available data on variant occurrences in the general population are insufficient to allow any conclusion about variant significance. To our knowledge, no occurrence of c.903T>C in individuals affected with Ataxia-Telangiectasia or cancer, and no experimental evidence demonstrating its impact on protein function have been reported. Based on the evidence outlined above, the variant was classified a VUS.

Ambry Genetics
Classification: Likely benign for Hereditary cancer-predisposing syndrome. Last evaluated: 2020-01-07. Review status: criteria provided, single submitter. Criteria: Ambry Variant Classification Scheme 2023. Collection method: clinical testing. Allele origin: germline.